The following is an entry in ClinVar:

ClinVar aggregate classification (germline): Pathogenic. Review status: reviewed by expert panel (3 of 4 stars). 2 submissions from 2 submitters: Pathogenic (1). 1 of the submissions does not count toward it. Last evaluated 2016-09-08.

Conditions:
Breast-ovarian cancer, familial, susceptibility to, 2 (BROVCA2). Also called: BRCA2 Hereditary Breast and Ovarian Cancer. Identifiers: Orphanet 145, MedGen C2675520, MONDO:0012933, OMIM 612555. Disease mechanism: loss of function.

Submissions (2):

Evidence-based Network for the Interpretation of Germline Mutant Alleles (ENIGMA)
Classification: Pathogenic for Breast-ovarian cancer, familial, susceptibility to, 2. Last evaluated: 2016-09-08. Review status: reviewed by expert panel. Criteria: ENIGMA BRCA1/2 Classification Criteria (2015). Collection method: curation. Allele origin: germline.
Comment: Variant allele predicted to encode a truncated non-functional protein.

Breast Cancer Information Core (BIC) (BRCA2)
Classification: Pathogenic for Breast-ovarian cancer, familial 2. Review status: no assertion criteria provided. Collection method: clinical testing. Allele origin: unknown. Affected: yes. Observed: 1 variant allele. Not counted in ClinVar's aggregate classification.

NM_000059.4(BRCA2):c.4809_4810insA (p.Leu1604fs)

Gene: BRCA2 (BRCA2 DNA repair associated; plus strand). Cytogenetic location: 13q13.1.
Variant type: Insertion.
Coding change: c.4809_4810insA on transcript NM_000059.4 (MANE Select); coding-DNA positions 4809 to 4810, A inserted.
Protein change: p.Leu1604fs; shifts the reading frame from leucine 1604.
Molecular consequence: frameshift variant.
Genome position: GRCh38 VCF-style: chr13-32339164-C-CA. GRCh37 (hg19) VCF-style: chr13-32913301-C-CA.
Other names: 5037insA; short protein forms L1604fs.
Identifiers: ClinVar variation 126053 (VCV000126053.2), dbSNP rs80359467, ClinGen allele CA020862.